The following is an entry in ClinVar:

ClinVar aggregate classification (germline): Uncertain significance (1 of 4 stars; one submission).

Conditions:
Brugada syndrome. Also called: Sudden unexpected nocturnal death syndrome; Sudden unexplained nocturnal death syndrome; Sudden Unexplained Death Syndrome; Sudden Unexplained Nocturnal Death Syndrome (SUNDS). Identifiers: Orphanet 130, MedGen C1142166, MONDO:0015263.

Allele frequency attached by ClinVar (database versions not stated): ExAC 0.00001; gnomAD exomes 0.00002.
gnomAD v4.1: 25 of 1,551,568 alleles (0.0016%); highest among the groups gnomAD compares: Non-Finnish European, 0.0022%; no homozygotes.

Submission:

Labcorp Genetics (formerly Invitae), Labcorp
Classification: Uncertain significance for Brugada syndrome. Last evaluated: 2023-11-15. Review status: criteria provided, single submitter. Criteria: Invitae Variant Classification Sherloc (09022015). Collection method: clinical testing. Allele origin: germline.
Comment: This sequence change replaces asparagine, which is neutral and polar, with lysine, which is basic and polar, at codon 374 of the CACNA2D1 protein (p.Asn374Lys). This variant is present in population databases (rs761139883, gnomAD 0.0009%). This variant has not been reported in the literature in individuals affected with CACNA2D1-related conditions. An algorithm developed to predict the effect of missense changes on protein structure and function (PolyPhen-2) suggests that this variant is likely to be tolerated. In summary, the available evidence is currently insufficient to determine the role of this variant in disease. Therefore, it has been classified as a Variant of Uncertain Significance.

NM_000722.4(CACNA2D1):c.1122C>G (p.Asn374Lys)

Gene: CACNA2D1 (calcium voltage-gated channel auxiliary subunit alpha2delta 1; minus strand). Cytogenetic location: 7q21.11.
Variant type: single nucleotide variant.
Coding change: c.1122C>G on transcript NM_000722.4 (MANE Select); coding-DNA position 1122, C replaced by G.
Protein change: p.Asn374Lys; replaces asparagine 374 with lysine.
Molecular consequence: missense variant.
Genome position (GRCh38, 1-based): chr7:82,032,818, G>C on the plus strand (C>G on the coding strand, the complement: CACNA2D1 is on the minus strand). VCF-style: chr7-82032818-G-C. GRCh37 (hg19) VCF-style: chr7-81662134-G-C.
Other names: c.1122C>G, p.Asn374Lys (NM_001366867.1); short protein forms N374K.
Identifiers: ClinVar variation 2915273 (VCV002915273.3), dbSNP rs761139883, ClinGen allele CA4318135.